The following is an entry in ClinVar:

ClinVar aggregate classification (germline): Pathogenic/Likely pathogenic. Review status: criteria provided, multiple submitters, no conflicts (2 of 4 stars). 4 submissions from 4 submitters: Pathogenic (2); Likely pathogenic (1). 1 of the submissions does not count toward it. Last evaluated 2025-07-23.

Conditions:
Tyrosinemia type I (TYRSN1). Also called: Tyrosinemia type 1; Fumarylacetoacetase deficiency; Deficiency of fumarylacetoacetase; FAH DEFICIENCY; HEPATORENAL TYROSINEMIA. Identifiers: Orphanet 882, MedGen C0268490, MONDO:0010161, OMIM 276700. Disease mechanism: loss of function.

Submissions (4):

Labcorp Genetics (formerly Invitae), Labcorp
Classification: Pathogenic for Tyrosinemia type I. Last evaluated: 2025-07-23. Review status: criteria provided, single submitter. Criteria: Invitae Variant Classification Sherloc (09022015). Collection method: clinical testing. Allele origin: germline.
Comment: This sequence change creates a premature translational stop signal (p.Pro261Valfs*29) in the FAH gene. It is expected to result in an absent or disrupted protein product. Loss-of-function variants in FAH are known to be pathogenic (PMID: 9101289, 9633815). This variant is not present in population databases (gnomAD no frequency). This variant has not been reported in the literature in individuals affected with FAH-related conditions. For these reasons, this variant has been classified as Pathogenic.

Natera, Inc.
Classification: Likely pathogenic for Tyrosinemia type I. Last evaluated: 2025-06-08. Review status: criteria provided, single submitter. Criteria: Natera Variant Classification Schema (03/2026). Collection method: clinical testing. Allele origin: germline.
Comment: The c.780_781delTC variant in FAH is a frameshift variant predicted to shift the reading frame beginning at codon 261 and leads to a stop codon 29 codons downstream. This variant is expected to result in nonsense mediated decay, truncation, or a dysfunctional protein product. This variant is rare in the general population with a frequency below the threshold expected for the associated phenotype(s). Given the available evidence, this variant is classified as Likely Pathogenic.

3billion
Classification: Pathogenic for Tyrosinemia type I. Last evaluated: 2025-05-19. Review status: criteria provided, single submitter. Criteria: ACMG Guidelines, 2015. Collection method: clinical testing. Allele origin: germline. Affected: yes.
Comment: The variant is observed at an extremely low frequency in the gnomAD v4.1.0 dataset (total allele frequency: <0.001%). Predicted Consequence/Location: Frameshift: predicted to result in a loss or disruption of normal protein function through nonsense-mediated decay (NMD) or protein truncation. Multiple pathogenic variants are reported downstream of the variant. The variant has been reported to be associated with FAH-related disorder (ClinVar ID: VCV000371645). Therefore, this variant is classified as Pathogenic according to the recommendation of ACMG/AMP guideline.

Counsyl
Classification: Likely pathogenic for Tyrosinemia type I. Last evaluated: 2016-11-07. Review status: no assertion criteria provided. Collection method: clinical testing. Allele origin: unknown. Not counted in ClinVar's aggregate classification.

Literature cited by the submitters: PubMed 9101289 (cited by Labcorp Genetics (formerly Invitae), Labcorp); PubMed 9633815 (cited by Labcorp Genetics (formerly Invitae), Labcorp).

NM_000137.4(FAH):c.780_781del (p.Pro261fs)

Gene: FAH (fumarylacetoacetate hydrolase; plus strand). Cytogenetic location: 15q25.1.
Variant type: Microsatellite.
Coding change: c.780_781del on transcript NM_000137.4 (MANE Select); coding-DNA positions 780 to 781, 2 bases deleted (TC; older notation c.780_781delTC).
Protein change: p.Pro261fs; shifts the reading frame from proline 261.
Molecular consequence: frameshift variant.
Genome position (GRCh38, 1-based): chr15:80,173,087-80,173,088, TC deleted; deleting any 2 consecutive bases within chr15:80,173,083-80,173,088 gives the same sequence; the c. name uses the placement nearest the transcript's 3' end. VCF-style (leftmost placement, unchanged base first): chr15-80173082-GTC-G. GRCh37 (hg19) VCF-style: chr15-80465424-GTC-G.
Other names: c.780_781del, p.Pro261fs (NM_001374377.1, NM_001374380.1); short protein forms P261fs.
Identifiers: ClinVar variation 371645 (VCV000371645.6), dbSNP rs1057517436, ClinGen allele CA16041759.